The following is an entry in ClinVar:

NM_000528.4(MAN2B1):c.2927C>G (p.Pro976Arg)

Gene: MAN2B1 (mannosidase alpha class 2B member 1; minus strand). Cytogenetic location: 19p13.13.
Variant type: single nucleotide variant.
Coding change: c.2927C>G on transcript NM_000528.4 (MANE Select); coding-DNA position 2927, C replaced by G.
Protein change: p.Pro976Arg; replaces proline 976 with arginine.
Molecular consequence: missense variant.
Genome position (GRCh38, 1-based): chr19:12,646,729, G>C on the plus strand (C>G on the coding strand, the complement: MAN2B1 is on the minus strand). VCF-style: chr19-12646729-G-C. GRCh37 (hg19) VCF-style: chr19-12757543-G-C.
Other names: c.2924C>G, p.Pro975Arg (NM_001173498.2); short protein forms P975R, P976R.
Identifiers: ClinVar variation 2162777 (VCV002162777.1), dbSNP rs766559062, ClinGen allele CA9225859.

ClinVar aggregate classification (germline): Uncertain significance (1 of 4 stars; one submission).

Conditions:
Deficiency of alpha-mannosidase (MANSA). Also called: Mannosidosis, alpha-, types I and II; LYSOSOMAL ALPHA-D-MANNOSIDASE DEFICIENCY; Alpha-Mannosidosis. Identifiers: Orphanet 61, MedGen C0024748, MONDO:0009561, OMIM 248500.

Allele frequency attached by ClinVar (database versions not stated): gnomAD exomes 0.00003.
gnomAD v4.1: 45 of 1,611,396 alleles (0.0028%); highest among the groups gnomAD compares: South Asian, 0.046%; 1 homozygote.

Submission:

Labcorp Genetics (formerly Invitae), Labcorp
Classification: Uncertain significance for Deficiency of alpha-mannosidase. Last evaluated: 2022-05-22. Review status: criteria provided, single submitter. Criteria: Invitae Variant Classification Sherloc (09022015). Collection method: clinical testing. Allele origin: germline.
Comment: This sequence change replaces proline, which is neutral and non-polar, with arginine, which is basic and polar, at codon 976 of the MAN2B1 protein (p.Pro976Arg). This variant is present in population databases (rs766559062, gnomAD 0.03%). This variant has not been reported in the literature in individuals affected with MAN2B1-related conditions. Algorithms developed to predict the effect of missense changes on protein structure and function (SIFT, PolyPhen-2, Align-GVGD) all suggest that this variant is likely to be tolerated. In summary, the available evidence is currently insufficient to determine the role of this variant in disease. Therefore, it has been classified as a Variant of Uncertain Significance.